The following is an entry in ClinVar:

NM_000138.5(FBN1):c.1147+2T>A

Genes: FBN1 (fibrillin 1; minus strand), LOC113939944 (Sharpr-MPRA regulatory region 9539; plus strand). Cytogenetic location: 15q21.1.
Variant type: single nucleotide variant.
Coding change: c.1147+2T>A on transcript NM_000138.5 (MANE Select); the canonical splice donor site of the intron after coding-DNA position 1147, T replaced by A.
Molecular consequence: splice donor variant.
Genome position (GRCh38, 1-based): chr15:48,520,657, A>T on the plus strand (T>A on the coding strand, the complement: FBN1 is on the minus strand). VCF-style: chr15-48520657-A-T. GRCh37 (hg19) VCF-style: chr15-48812854-A-T.
Other names: c.1147+2T>A (NM_001406716.1).
Identifiers: ClinVar variation 1481304 (VCV001481304.8), dbSNP rs2141335915, ClinGen allele CA392346977.

ClinVar aggregate classification (germline): Likely pathogenic (1 of 4 stars; one submission).

Conditions:
Marfan syndrome (MFS). Also called: MARFAN SYNDROME, TYPE I; Marfan syndrome type 1; Marfan's syndrome; Marfan syndrome, classic; FBN1-Related Marfan Syndrome. Identifiers: Orphanet 284963, Orphanet 558, MedGen C0024796, MONDO:0007947, OMIM 154700.
Familial thoracic aortic aneurysm and aortic dissection (TAAD). Also called: Thoracic aortic aneurysms and dissections. Identifiers: Orphanet 91387, MedGen C4707243, MONDO:0019625.

Submission:

Labcorp Genetics (formerly Invitae), Labcorp
Classification: Likely pathogenic for Marfan syndrome; Familial thoracic aortic aneurysm and aortic dissection. Last evaluated: 2020-11-17. Review status: criteria provided, single submitter. Criteria: Invitae Variant Classification Sherloc (09022015). Collection method: clinical testing. Allele origin: germline.
Comment: In summary, the currently available evidence indicates that the variant is pathogenic, but additional data are needed to prove that conclusively. Therefore, this variant has been classified as Likely Pathogenic. Algorithms developed to predict the effect of sequence changes on RNA splicing suggest that this variant may disrupt the consensus splice site, but this prediction has not been confirmed by published transcriptional studies. This variant has not been reported in the literature in individuals with FBN1-related conditions. This variant is not present in population databases (ExAC no frequency). This sequence change affects a donor splice site in intron 10 of the FBN1 gene. It is expected to disrupt RNA splicing. Variants that disrupt the donor or acceptor splice site typically lead to a loss of protein function (PMID: 16199547), and loss-of-function variants in FBN1 are known to be pathogenic (PMID: 17657824, 19293843).

Literature cited by the submitters: PubMed 16199547; PubMed 17657824; PubMed 19293843.